The following is an entry in ClinVar:

NM_000135.4(FANCA):c.4317A>T (p.Arg1439Ser)

Genes: FANCA (FA complementation group A; minus strand), ZNF276 (zinc finger protein 276; plus strand). Cytogenetic location: 16q24.3.
Variant type: single nucleotide variant.
Coding change: c.4317A>T on transcript NM_000135.4 (MANE Select); coding-DNA position 4317, A replaced by T.
Protein change: p.Arg1439Ser; replaces arginine 1439 with serine.
Molecular consequence: missense variant. On other transcripts: 3 prime UTR variant (3), non-coding transcript variant (4).
Genome position (GRCh38, 1-based): chr16:89,738,652, T>A on the plus strand (A>T on the coding strand, the complement: FANCA is on the minus strand). VCF-style: chr16-89738652-T-A. GRCh37 (hg19) VCF-style: chr16-89805060-T-A.
Other names: c.*46A>T (NM_001286167.3); c.*406T>A (NM_001113525.2, NM_152287.4); short protein forms R1439S.
Identifiers: ClinVar variation 4619310 (VCV004619310.1).
Genomic context (GRCh38, chr16:89,738,652, plus strand): 5'-CAGGTCCCGTCAGAAGAGATGAGGCTCCTGGGACAGGTCAGCGTCAGGGGCAGCCTGCTG[T>A]CTGCTCTGGAGGGCGGCGCTCACCTCTGGGTCGCAGTCCCCACGATCAGCCAGCAGCTGT-3'
Protein context (NP_000126.2, residues 1429-1449): DPEVSAALQS[Arg1439Ser]QQAAPDADLS

ClinVar aggregate classification (germline): Uncertain significance (1 of 4 stars; one submission).

Conditions:
Inborn genetic diseases. Identifiers: MedGen C0950123, MeSH D030342.

Submission:

Ambry Genetics
Classification: Uncertain significance for Inborn genetic diseases. Last evaluated: 2025-12-09. Review status: criteria provided, single submitter. Criteria: Ambry Variant Classification Scheme 2023. Collection method: clinical testing. Allele origin: germline.
Comment: The p.R1439S variant (also known as c.4317A>T), located in coding exon 43 of the FANCA gene, results from an A to T substitution at nucleotide position 4317. The arginine at codon 1439 is replaced by serine, an amino acid with dissimilar properties. This amino acid position is conserved. In addition, this alteration is predicted to be tolerated by in silico analysis. Based on the available evidence, the clinical significance of this variant remains unclear.